The following is an entry in ClinVar:

NM_052859.4(RFT1):c.*1009G>A

Gene: RFT1 (RFT1 glycolipid translocator homolog; minus strand). Cytogenetic location: 3p21.1.
Variant type: single nucleotide variant.
Coding change: c.*1009G>A on transcript NM_052859.4 (MANE Select); 1009 bases downstream of the stop codon, G replaced by A.
Molecular consequence: 3 prime UTR variant.
Genome position (GRCh38, 1-based): chr3:53,090,894, C>T on the plus strand (G>A on the coding strand, the complement: RFT1 is on the minus strand). VCF-style: chr3-53090894-C-T. GRCh37 (hg19) VCF-style: chr3-53124910-C-T.
Identifiers: ClinVar variation 346168 (VCV000346168.5), dbSNP rs73840205, ClinGen allele CA10619167.

ClinVar aggregate classification (germline): Benign (1 of 4 stars; one submission).

Conditions:
RFT1-congenital disorder of glycosylation (CDG1N). Also called: Congenital disorder of glycosylation type In; CDG In; RFT1-CDG. Identifiers: Orphanet 244310, MedGen C2677590, MONDO:0012783, OMIM 612015.

Allele frequency attached by ClinVar (database versions not stated): gnomAD 0.01569 and 0.01686; 1000 Genomes Project 0.01597; 1000 Genomes Project 30x 0.01686; TOPMed 0.01789.

Submission:

Illumina Laboratory Services, Illumina
Classification: Benign for RFT1-congenital disorder of glycosylation. Last evaluated: 2018-01-12. Review status: criteria provided, single submitter. Criteria: ICSL Variant Classification Criteria 13 December 2019. Collection method: clinical testing. Allele origin: germline.
Comment: This variant was observed in the ICSL laboratory as part of a predisposition screen in an ostensibly healthy population. It had not been previously curated by ICSL or reported in the Human Gene Mutation Database (HGMD: prior to June 1st, 2018), and was therefore a candidate for classification through an automated scoring system. Utilizing variant allele frequency, disease prevalence and penetrance estimates, and inheritance mode, an automated score was calculated to assess if this variant is too frequent to cause the disease. Based on the score and internal cut-off values, a variant classified as benign is not then subjected to further curation. The score for this variant resulted in a classification of benign for this disease.